The following is an entry in ClinVar:

NM_133433.4(NIPBL):c.2774A>G (p.Lys925Arg)

Gene: NIPBL (NIPBL cohesin loading factor; plus strand). Cytogenetic location: 5p13.2.
Variant type: single nucleotide variant.
Coding change: c.2774A>G on transcript NM_133433.4 (MANE Select); coding-DNA position 2774, A replaced by G.
Protein change: p.Lys925Arg; replaces lysine 925 with arginine.
Molecular consequence: missense variant.
Genome position (GRCh38, 1-based): chr5:36,985,954, A>G. VCF-style: chr5-36985954-A-G. GRCh37 (hg19) VCF-style: chr5-36986056-A-G.
Other names: c.2774A>G, p.Lys925Arg (NM_015384.5); short protein forms K925R.
Identifiers: ClinVar variation 1377718 (VCV001377718.8), dbSNP rs1198125549, ClinGen allele CA359504991.

ClinVar aggregate classification (germline): Uncertain significance (1 of 4 stars; one submission).

Conditions:
Cornelia de Lange syndrome 1 (CDLS1). Also called: Brachmann de Lange syndrome; NIPBL-Related Cornelia de Lange Syndrome; TYPUS DEGENERATIVUS AMSTELODAMENSIS. Identifiers: Orphanet 199, MedGen C4551851, MONDO:0007387, OMIM 122470.

Allele frequency attached by ClinVar (database versions not stated): gnomAD exomes below 0.00001 and 0.00001; TOPMed 0.00001; gnomAD 0.00004.
gnomAD v4.1: 18 of 1,613,888 alleles (0.0011%); highest among the groups gnomAD compares: African/African-American, 0.004%; no homozygotes.

Submission:

Labcorp Genetics (formerly Invitae), Labcorp
Classification: Uncertain significance for Cornelia de Lange syndrome 1. Last evaluated: 2024-10-16. Review status: criteria provided, single submitter. Criteria: Invitae Variant Classification Sherloc (09022015). Collection method: clinical testing. Allele origin: germline.
Comment: This sequence change replaces lysine, which is basic and polar, with arginine, which is basic and polar, at codon 925 of the NIPBL protein (p.Lys925Arg). This variant is present in population databases (no rsID available, gnomAD 0.004%). This variant has not been reported in the literature in individuals affected with NIPBL-related conditions. ClinVar contains an entry for this variant (Variation ID: 1377718). Invitae Evidence Modeling of protein sequence and biophysical properties (such as structural, functional, and spatial information, amino acid conservation, physicochemical variation, residue mobility, and thermodynamic stability) indicates that this missense variant is not expected to disrupt NIPBL protein function with a negative predictive value of 95%. In summary, the available evidence is currently insufficient to determine the role of this variant in disease. Therefore, it has been classified as a Variant of Uncertain Significance.